The following is an entry in ClinVar:

NM_004177.5(STX3):c.10C>T (p.Arg4Cys)

Gene: STX3 (syntaxin 3; plus strand). Cytogenetic location: 11q12.1.
Variant type: single nucleotide variant.
Coding change: c.10C>T on transcript NM_004177.5 (MANE Select); coding-DNA position 10, C replaced by T.
Protein change: p.Arg4Cys; replaces arginine 4 with cysteine.
Molecular consequence: missense variant.
Genome position (GRCh38, 1-based): chr11:59,755,615, C>T. VCF-style: chr11-59755615-C-T. GRCh37 (hg19) VCF-style: chr11-59523088-C-T.
Other names: c.10C>T, p.Arg4Cys (NM_001178040.3); short protein forms R4C.
Identifiers: ClinVar variation 2101978 (VCV002101978.5), dbSNP rs766292057, ClinGen allele CA6020685.
Genomic context (GRCh38, chr11:59,755,615, plus strand): 5'-GACGCGCTCACCTGGGACGCGCTACCTGCCTCCGGGCGCCTGGGCTTCAGGATGAAGGAC[C>T]GTCTGGAGCAGCTGAAGGCCGTGAGTTTCGCCGCAGGCGGGGTGCTGCCAGGAGGGGTGC-3'
Protein context (NP_004168.1, residues 1-14): MKD[Arg4Cys]LEQLKAKQLT

ClinVar aggregate classification (germline): Uncertain significance. Review status: criteria provided, multiple submitters, no conflicts (2 of 4 stars). 2 submissions from 2 submitters: Uncertain significance (2). Last evaluated 2025-06-07.

Conditions:
Inborn genetic diseases. Identifiers: MedGen C0950123, MeSH D030342.

Allele frequency attached by ClinVar (database versions not stated): ExAC 0.00001.

Submissions (2):

Ambry Genetics
Classification: Uncertain significance for Inborn genetic diseases. Last evaluated: 2025-06-07. Review status: criteria provided, single submitter. Criteria: Ambry Variant Classification Scheme 2023. Collection method: clinical testing. Allele origin: germline.

Labcorp Genetics (formerly Invitae), Labcorp
Classification: Uncertain significance. Last evaluated: 2024-02-23. Review status: criteria provided, single submitter. Criteria: Invitae Variant Classification Sherloc (09022015). Collection method: clinical testing. Allele origin: germline.
Comment: This sequence change replaces arginine, which is basic and polar, with cysteine, which is neutral and slightly polar, at codon 4 of the STX3 protein (p.Arg4Cys). The frequency data for this variant in the population databases is considered unreliable, as metrics indicate poor data quality at this position in the gnomAD database. This variant has not been reported in the literature in individuals affected with STX3-related conditions. ClinVar contains an entry for this variant (Variation ID: 2101978). An algorithm developed to predict the effect of missense changes on protein structure and function (PolyPhen-2) suggests that this variant is likely to be disruptive. In summary, the available evidence is currently insufficient to determine the role of this variant in disease. Therefore, it has been classified as a Variant of Uncertain Significance.